The following is an entry in ClinVar:

NM_000038.6(APC):c.7778A>G (p.Asn2593Ser)

Gene: APC (APC regulator of Wnt signaling pathway; plus strand). Cytogenetic location: 5q22.2.
Variant type: single nucleotide variant.
Coding change: c.7778A>G on transcript NM_000038.6 (MANE Select); coding-DNA position 7778, A replaced by G.
Protein change: p.Asn2593Ser; replaces asparagine 2593 with serine.
Molecular consequence: missense variant.
Genome position (GRCh38, 1-based): chr5:112,843,372, A>G. VCF-style: chr5-112843372-A-G. GRCh37 (hg19) VCF-style: chr5-112179069-A-G.
Other names: c.7778A>G, p.Asn2593Ser (NM_001127510.3, NM_001354895.2); c.7724A>G, p.Asn2575Ser (NM_001127511.3); c.7832A>G, p.Asn2611Ser (NM_001354896.2); c.7808A>G, p.Asn2603Ser (NM_001354897.2); c.7703A>G, p.Asn2568Ser (NM_001354898.2); c.7694A>G, p.Asn2565Ser (NM_001354899.2); c.7655A>G, p.Asn2552Ser (NM_001354900.2); c.7601A>G, p.Asn2534Ser (NM_001354901.2); and 5 more; short protein forms N2575S, N2593S, N2467S, N2568S, N2603S, N2611S, N2502S, N2565S.
Identifiers: ClinVar variation 161205 (VCV000161205.45), dbSNP rs367676584, ClinGen allele CA014033.
Genomic context (GRCh38, chr5:112,843,372, plus strand): 5'-TTCTTTCTGCTTCATCAGAATCCAGTGAAAAAGCAAAAAGTGAGGATGAAAAACATGTGA[A>G]CTCTATTTCAGGAACCAAACAAAGTAAAGAAAACCAAGTATCCGCAAAAGGAACATGGAG-3'
Protein context (NP_000029.2, residues 2583-2603): KAKSEDEKHV[Asn2593Ser]SISGTKQSKE

ClinVar aggregate classification (germline): Conflicting classifications of pathogenicity. Review status: criteria provided, conflicting classifications (1 of 4 stars). 11 submissions from 11 submitters: Uncertain significance (7); Likely benign (3). 1 of the submissions does not count toward it. Last evaluated 2026-01-08.

Conditions:
Classic or attenuated familial adenomatous polyposis. Identifiers: MedGen CN372698, MONDO:0021057.
Colorectal cancer. Also called: Malignant Colorectal Neoplasm; Colorectal cancer, somatic. Identifiers: MedGen C0346629, MONDO:0005575, OMIM 114500.
Hereditary cancer-predisposing syndrome. Also called: Neoplastic Syndromes, Hereditary; Hereditary Cancer Syndrome; Tumor predisposition; Hereditary neoplastic syndrome. Identifiers: Orphanet 140162, MedGen C0027672, MeSH D009386, MONDO:0015356.
Colorectal adenoma. Identifiers: MedGen C1302401, MONDO:0005484.
Familial adenomatous polyposis 1 (FAP1). Also called: POLYPOSIS, ADENOMATOUS INTESTINAL; FAMILIAL ADENOMATOUS POLYPOSIS 1, ATTENUATED. Identifiers: MedGen C2713442, MONDO:0021056, OMIM 175100. Disease mechanism: loss of function.

Allele frequency attached by ClinVar (database versions not stated): gnomAD 0.00001; ExAC 0.00002; gnomAD exomes 0.00002; TOPMed 0.00002; ESP Exome Variant Server 0.00008.
gnomAD v4.1: 29 of 1,613,712 alleles (0.0018%); highest among the groups gnomAD compares: Middle Eastern, 0.016%; no homozygotes.

Submissions (11):

Labcorp Genetics (formerly Invitae), Labcorp
Classification: Uncertain significance for Familial adenomatous polyposis 1. Last evaluated: 2026-01-08. Review status: criteria provided, single submitter. Criteria: Invitae Variant Classification Sherloc (09022015). Collection method: clinical testing. Allele origin: germline.
Comment: This sequence change replaces asparagine, which is neutral and polar, with serine, which is neutral and polar, at codon 2593 of the APC protein (p.Asn2593Ser). This variant is present in population databases (rs367676584, gnomAD 0.005%). This missense change has been observed in individual(s) with colorectal adenomas (PMID: 18199528). ClinVar contains an entry for this variant (Variation ID: 161205). Invitae Evidence Modeling of protein sequence and biophysical properties (such as structural, functional, and spatial information, amino acid conservation, physicochemical variation, residue mobility, and thermodynamic stability) indicates that this missense variant is not expected to disrupt APC protein function with a negative predictive value of 95%. RNA analysis performed to evaluate the impact of this missense change on mRNA splicing indicates it does not significantly alter splicing (internal data). In summary, the available evidence is currently insufficient to determine the role of this variant in disease. Therefore, it has been classified as a Variant of Uncertain Significance.

Color Diagnostics, LLC DBA Color Health
Classification: Likely benign for Hereditary cancer-predisposing syndrome. Last evaluated: 2025-03-24. Review status: criteria provided, single submitter. Criteria: ACMG Guidelines, 2015. Collection method: clinical testing. Allele origin: germline.

Baylor Genetics
Classification: Uncertain significance for Familial adenomatous polyposis 1. Last evaluated: 2024-03-08. Review status: criteria provided, single submitter. Criteria: ACMG Guidelines, 2015. Collection method: clinical testing. Allele origin: unknown.

All of Us Research Program, National Institutes of Health
Classification: Uncertain significance for Classic or attenuated familial adenomatous polyposis. Last evaluated: 2024-03-05. Review status: criteria provided, single submitter. Criteria: ACMG Guidelines, 2015. Collection method: clinical testing. Allele origin: germline. Inheritance: Autosomal dominant inheritance. Observed: 10 variant alleles, 10 heterozygotes.
Comment: This missense variant replaces asparagine with serine at codon 2593 of the APC protein. Computational prediction suggests that this variant may not impact protein structure and function (internally defined REVEL score threshold <= 0.5, PMID: 27666373). Splice site prediction tools suggest that this variant may not impact RNA splicing. To our knowledge, functional studies have not been reported for this variant. This variant has been reported in individuals affected with familial adenomatous polyposis or multiple colorectal polyps (PMID 18199528, 21859464), or renal papillary cell carcinoma (PMID: 29684080). This variant has been identified in 6/282106 chromosomes in the general population by the Genome Aggregation Database (gnomAD). The available evidence is insufficient to determine the role of this variant in disease conclusively. Therefore, this variant is classified as a Variant of Uncertain Significance.

This study involves interpretation of variants in research participants for the purpose of population health screening. Participant phenotype was not available at the time of variant classification. Additional details can be found in publication PMID: 35346344, PMCID: PMC8962531

Mendelics
Classification: Uncertain significance for Familial adenomatous polyposis 1. Last evaluated: 2023-06-02. Review status: criteria provided, single submitter. Criteria: Mendelics Assertion Criteria 2017. Collection method: clinical testing. Allele origin: unknown.

Blueprint Genetics
Classification: Likely benign. Last evaluated: 2023-03-15. Review status: criteria provided, single submitter. Criteria: ACMG Guidelines, 2015. Collection method: clinical testing. Allele origin: germline.

Ambry Genetics
Classification: Likely benign for Hereditary cancer-predisposing syndrome. Last evaluated: 2022-12-14. Review status: criteria provided, single submitter. Criteria: Ambry Variant Classification Scheme 2023. Collection method: clinical testing. Allele origin: germline.

Institute for Clinical Genetics, University Hospital TU Dresden, University Hospital TU Dresden
Classification: Uncertain significance. Last evaluated: 2021-06-08. Review status: criteria provided, single submitter. Criteria: ACMG Guidelines, 2015. Collection method: clinical testing. Allele origin: germline.
Comment: BP6, BS1

GeneDx
Classification: Uncertain significance. Last evaluated: 2018-01-24. Review status: criteria provided, single submitter. Criteria: GeneDx Variant Classification (06012015). Collection method: clinical testing. Allele origin: germline. Affected: yes.
Comment: This variant is denoted APC c.7778A>G at the cDNA level, p.Asn2593Ser (N2593S) at the protein level, and results in the change of an Asparagine to a Serine (AAC>AGC). This variant was observed in one individual with fewer than 10 colorectal adenomas (Azzopardi 2008). APC Asn2593Ser was not observed at a significant allele frequency in large population cohorts (Lek 2016). This variant is located in the EB1 binding domain (Azzopardi 2008). In-silico analysis, which includes protein predictors and evolutionary conservation, supports that this variant does not alter protein structure/function. Based on currently available evidence, it is unclear whether APC Asn2593Ser is a pathogenic or benign variant. We consider it to be a variant of uncertain significance.

Centre for Mendelian Genomics, University Medical Centre Ljubljana
Classification: Uncertain significance for Colorectal cancer. Last evaluated: 2016-01-01. Review status: criteria provided, single submitter. Criteria: ACMG Guidelines, 2015. Collection method: clinical testing. Allele origin: unknown. Affected: yes.
Comment: This variant was classified as: Uncertain significance. The following ACMG criteria were applied in classifying this variant: BP4.

CSER _CC_NCGL, University of Washington
Classification: Likely benign for Colorectal adenoma. Last evaluated: 2014-06-01. Review status: no assertion criteria provided. Collection method: research. Allele origin: germline. Inheritance: Autosomal dominant inheritance. Study: ESP 6500 variant annotation. Not counted in ClinVar's aggregate classification.
Comment: Variants classified for the Actionable exomic incidental findings in 6503 participants: challenges of variant classification manuscript

Literature cited by the submitters: PubMed 18199528 (cited by Labcorp Genetics (formerly Invitae), Labcorp and Ambry Genetics); PubMed 29684080 (cited by All of Us Research Program, National Institutes of Health); PubMed 21859464 (cited by Ambry Genetics); PubMed 25637381 (cited by Ambry Genetics).